The following is an entry in ClinVar:

ClinVar aggregate classification (germline): Uncertain significance. Review status: criteria provided, multiple submitters, no conflicts (2 of 4 stars). 3 submissions from 3 submitters: Uncertain significance (3). Last evaluated 2025-10-25.

Conditions:
Von Hippel-Lindau syndrome (VHLS). Also called: Von Hippel-Lindau; VHL syndrome; von Hippel–Lindau syndrome. Identifiers: Orphanet 892, MedGen C0019562, MONDO:0008667, OMIM 193300. Disease mechanism: loss of function.
Chuvash polycythemia. Also called: POLYCYTHEMIA, VHL-DEPENDENT. Identifiers: Orphanet 238557, MedGen C1837915, MONDO:0009892, OMIM 263400.
Hereditary cancer-predisposing syndrome. Also called: Hereditary neoplastic syndrome; Neoplastic Syndromes, Hereditary; Tumor predisposition; Hereditary Cancer Syndrome. Identifiers: Orphanet 140162, MedGen C0027672, MeSH D009386, MONDO:0015356.

Allele frequency attached by ClinVar (database versions not stated): gnomAD exomes below 0.00001 and 0.00001.

Submissions (3):

Ambry Genetics
Classification: Uncertain significance for Hereditary cancer-predisposing syndrome. Last evaluated: 2025-10-25. Review status: criteria provided, single submitter. Criteria: Ambry Variant Classification Scheme 2023. Collection method: clinical testing. Allele origin: germline.
Comment: The p.E16Q variant (also known as c.46G>C), located in coding exon 1 of the VHL gene, results from a G to C substitution at nucleotide position 46. The glutamic acid at codon 16 is replaced by glutamine, an amino acid with highly similar properties. This amino acid position is well conserved in available vertebrate species. In addition, this alteration is predicted to be tolerated by in silico analysis. Since supporting evidence is limited at this time, the clinical significance of this alteration remains unclear.

Labcorp Genetics (formerly Invitae), Labcorp
Classification: Uncertain significance for Von Hippel-Lindau syndrome; Chuvash polycythemia. Last evaluated: 2025-09-06. Review status: criteria provided, single submitter. Criteria: Invitae Variant Classification Sherloc (09022015). Collection method: clinical testing. Allele origin: germline.
Comment: This sequence change replaces glutamic acid, which is acidic and polar, with glutamine, which is neutral and polar, at codon 16 of the VHL protein (p.Glu16Gln). This variant is present in population databases (no rsID available, gnomAD 0.005%). This variant has not been reported in the literature in individuals affected with VHL-related conditions. ClinVar contains an entry for this variant (Variation ID: 411965). Invitae Evidence Modeling of protein sequence and biophysical properties (such as structural, functional, and spatial information, amino acid conservation, physicochemical variation, residue mobility, and thermodynamic stability) indicates that this missense variant is not expected to disrupt VHL protein function with a negative predictive value of 95%. In summary, the available evidence is currently insufficient to determine the role of this variant in disease. Therefore, it has been classified as a Variant of Uncertain Significance.

Revvity Omics, Revvity
Classification: Uncertain significance. Last evaluated: 2023-11-02. Review status: criteria provided, single submitter. Criteria: ACMG Guidelines, 2015. Collection method: clinical testing. Allele origin: germline.

NM_000551.4(VHL):c.46G>C (p.Glu16Gln)

Gene: VHL (von Hippel-Lindau tumor suppressor; plus strand). Cytogenetic location: 3p25.3.
Variant type: single nucleotide variant.
Coding change: c.46G>C on transcript NM_000551.4 (MANE Select); coding-DNA position 46, G replaced by C.
Protein change: p.Glu16Gln; replaces glutamic acid 16 with glutamine.
Molecular consequence: missense variant.
Genome position (GRCh38, 1-based): chr3:10,141,893, G>C. VCF-style: chr3-10141893-G-C. GRCh37 (hg19) VCF-style: chr3-10183577-G-C.
Other names: c.46G>C, p.Glu16Gln (NM_001354723.2, NM_198156.3); short protein forms E16Q.
Identifiers: ClinVar variation 411965 (VCV000411965.14), dbSNP rs1060503556, ClinGen allele CA16611058.